The following is an entry in ClinVar:

NM_006440.5(TXNRD2):c.1109T>C (p.Ile370Thr)

Gene: TXNRD2 (thioredoxin reductase 2; minus strand). Cytogenetic location: 22q11.21.
Variant type: single nucleotide variant.
Coding change: c.1109T>C on transcript NM_006440.5 (MANE Select); coding-DNA position 1109, T replaced by C.
Protein change: p.Ile370Thr; replaces isoleucine 370 with threonine.
Molecular consequence: missense variant. On other transcripts: non-coding transcript variant (1).
Genome position (GRCh38, 1-based): chr22:19,880,695, A>G on the plus strand (T>C on the coding strand, the complement: TXNRD2 is on the minus strand). VCF-style: chr22-19880695-A-G. GRCh37 (hg19) VCF-style: chr22-19868218-A-G.
Other names: c.1106T>C, p.Ile369Thr (NM_001352300.2); c.1019T>C, p.Ile340Thr (NM_001352301.2); c.821T>C, p.Ile274Thr (NM_001352302.2); short protein forms I370T, I274T, I340T, I369T.
Identifiers: ClinVar variation 263369 (VCV000263369.16), dbSNP rs1139793, ClinGen allele CA10103803.

ClinVar aggregate classification (germline): Benign. Review status: criteria provided, multiple submitters, no conflicts (2 of 4 stars). 5 submissions from 5 submitters: Benign (5). Last evaluated 2026-02-04.

Conditions:
Glucocorticoid deficiency 5. Identifiers: MedGen C4540522, MONDO:0040502, OMIM 617825.
Cardiovascular phenotype. Identifiers: MedGen CN230736.
Primary dilated cardiomyopathy (DCM). Also called: Dilated Cardiomyopathy. Identifiers: Orphanet 217604, MedGen C0007193, MeSH D002311, MONDO:0005021, HP:0001644. Inheritance: Various modes of inheritance.

Allele frequency attached by ClinVar (database versions not stated): gnomAD exomes 0.69143; ExAC 0.70124; 1000 Genomes Project 0.71825; 1000 Genomes Project 30x 0.72299; gnomAD 0.76546 and 0.77627; TOPMed 0.77269; ESP Exome Variant Server 0.79610.
gnomAD v4.1: 1,166,418 of 1,612,762 alleles (72%); highest among the groups gnomAD compares: African/African-American, 92%; 426,057 homozygotes.

Submissions (5):

Labcorp Genetics (formerly Invitae), Labcorp
Classification: Benign for Primary dilated cardiomyopathy. Last evaluated: 2026-02-04. Review status: criteria provided, single submitter. Criteria: Invitae Variant Classification Sherloc (09022015). Collection method: clinical testing. Allele origin: germline.

Genome-Nilou Lab
Classification: Benign for Glucocorticoid deficiency 5. Last evaluated: 2021-12-05. Review status: criteria provided, single submitter. Criteria: ACMG Guidelines, 2015. Collection method: clinical testing. Allele origin: germline. Affected: no.

GeneDx
Classification: Benign. Last evaluated: 2016-09-09. Review status: criteria provided, single submitter. Criteria: GeneDx Variant Classification (06012015). Collection method: clinical testing. Allele origin: germline. Affected: yes.
Comment: This variant is considered likely benign or benign based on one or more of the following criteria: it is a conservative change, it occurs at a poorly conserved position in the protein, it is predicted to be benign by multiple in silico algorithms, and/or has population frequency not consistent with disease.

Ambry Genetics
Classification: Benign for Cardiovascular phenotype. Last evaluated: 2015-03-11. Review status: criteria provided, single submitter. Criteria: Ambry Variant Classification Scheme 2023. Collection method: clinical testing. Allele origin: germline.

Breakthrough Genomics
Classification: Benign. Review status: criteria provided, single submitter. Criteria: ACMG Guidelines, 2015. Collection method: not provided. Allele origin: germline. Inheritance: Autosomal recessive inheritance. Affected: yes.